The following is an entry in ClinVar:

NM_005236.3(ERCC4):c.1004T>C (p.Met335Thr)

Gene: ERCC4 (ERCC excision repair 4, endonuclease catalytic subunit; plus strand). Cytogenetic location: 16p13.12.
Variant type: single nucleotide variant.
Coding change: c.1004T>C on transcript NM_005236.3 (MANE Select); coding-DNA position 1004, T replaced by C.
Protein change: p.Met335Thr; replaces methionine 335 with threonine.
Molecular consequence: missense variant.
Genome position (GRCh38, 1-based): chr16:13,932,187, T>C. VCF-style: chr16-13932187-T-C. GRCh37 (hg19) VCF-style: chr16-14026044-T-C.
Other names: short protein forms M335T.
Identifiers: ClinVar variation 1511957 (VCV001511957.6), dbSNP rs1458037304, ClinGen allele CA394805212.
Genomic context (GRCh38, chr16:13,932,187, plus strand): 5'-GGCACTTTTTCTTTTAACTTTTCGTATTAGGTTGGCTGTTTCTTGACTCCAGCACCTCGA[T>C]GTTTATAAATGCTCGAGCAAGGGTTTATCATCTTCCAGATGCCAAAATGAGTAAAAAAGA-3'
Protein context (NP_005227.1, residues 325-345): GWLFLDSSTS[Met335Thr]FINARARVYH

ClinVar aggregate classification (germline): Uncertain significance (1 of 4 stars; one submission).

Conditions:
Cockayne syndrome. Identifiers: Orphanet 191, MedGen C0009207, MONDO:0016006.
Fanconi anemia complementation group Q. Identifiers: Orphanet 84, MedGen C3808988, MONDO:0014108, OMIM 615272.
Xeroderma pigmentosum, group F (XPF). Also called: ERCC4-Related Xeroderma Pigmentosum; XERODERMA PIGMENTOSUM, TYPE F; Xeroderma pigmentosum, type 6; XERODERMA PIGMENTOSUM, COMPLEMENTATION GROUP F; XERODERMA PIGMENTOSUM VI; XP, GROUP F. Identifiers: MedGen C0268140, MONDO:0010215, OMIM 278760.

Allele frequency attached by ClinVar (database versions not stated): gnomAD exomes below 0.00001; gnomAD 0.00001.
gnomAD v4.1: 5 of 1,612,798 alleles (0.00031%); highest among the groups gnomAD compares: African/African-American, 0.0013%; no homozygotes.

Submission:

Labcorp Genetics (formerly Invitae), Labcorp
Classification: Uncertain significance for Fanconi anemia complementation group Q; Xeroderma pigmentosum, group F; Cockayne syndrome. Last evaluated: 2021-11-09. Review status: criteria provided, single submitter. Criteria: Invitae Variant Classification Sherloc (09022015). Collection method: clinical testing. Allele origin: germline.
Comment: This sequence change replaces methionine, which is neutral and non-polar, with threonine, which is neutral and polar, at codon 335 of the ERCC4 protein (p.Met335Thr). This variant is present in population databases (no rsID available, gnomAD 0.0009%). This variant has not been reported in the literature in individuals affected with ERCC4-related conditions. Algorithms developed to predict the effect of missense changes on protein structure and function (SIFT, PolyPhen-2, Align-GVGD) all suggest that this variant is likely to be disruptive. In summary, the available evidence is currently insufficient to determine the role of this variant in disease. Therefore, it has been classified as a Variant of Uncertain Significance.